The following is an entry in ClinVar:

ClinVar aggregate classification (germline): Uncertain significance (1 of 4 stars; one submission).

gnomAD v4.1: 5 of 1,145,738 alleles (0.00044%); highest among the groups gnomAD compares: Non-Finnish European, 0.00035%; no homozygotes.

Submission:

Labcorp Genetics (formerly Invitae), Labcorp
Classification: Uncertain significance. Last evaluated: 2022-05-13. Review status: criteria provided, single submitter. Criteria: Invitae Variant Classification Sherloc (09022015). Collection method: clinical testing. Allele origin: germline.
Comment: In summary, the available evidence is currently insufficient to determine the role of this variant in disease. Therefore, it has been classified as a Variant of Uncertain Significance. Algorithms developed to predict the effect of sequence changes on RNA splicing suggest that this variant may create or strengthen a splice site. This variant has not been reported in the literature in individuals affected with SAMD11-related conditions. This variant is not present in population databases (gnomAD no frequency). This sequence change falls in intron 9 of the SAMD11 gene. It does not directly change the encoded amino acid sequence of the SAMD11 protein.

NM_001385641.1(SAMD11):c.1474+10C>T

Gene: SAMD11 (sterile alpha motif domain containing 11; plus strand). Cytogenetic location: 1p36.33.
Variant type: single nucleotide variant.
Coding change: c.1474+10C>T on transcript NM_001385641.1 (MANE Select); 10 bases into the intron after coding-DNA position 1474, C replaced by T.
Molecular consequence: intron variant.
Genome position (GRCh38, 1-based): chr1:942,261, C>T. VCF-style: chr1-942261-C-T. GRCh37 (hg19) VCF-style: chr1-877641-C-T.
Other names: c.1477+10C>T (NM_001385640.1); c.985+10C>T (NM_152486.4).
Identifiers: ClinVar variation 1978556 (VCV001978556.4), dbSNP rs1461796673, ClinGen allele CA740508846.